The following is an entry in ClinVar:

NM_194248.1:c.3704-3720delACCGCTCGGCCCCCAG

Gene: OTOF (otoferlin; minus strand). Cytogenetic location: 2p23.3.
Variant type: Deletion.
Identifiers: ClinVar variation 65800 (VCV000065800.3).

ClinVar aggregate classification (germline): Pathogenic (0 of 4 stars; one submission).

Conditions:
Autosomal recessive nonsyndromic hearing loss 9. Also called: NEUROSENSORY NONSYNDROMIC RECESSIVE DEAFNESS 9; OTOF-Related Hearing Loss; AUDITORY NEUROPATHY, AUTOSOMAL RECESSIVE, 1, TEMPERATURE-SENSITIVE; Deafness, autosomal recessive 9. Identifiers: Orphanet 90636, MedGen C1832828, MONDO:0010986, OMIM 601071.

Submission:

GeneReviews
Classification: Pathogenic for OTOF-Related Deafness. Last evaluated: 2011-04-26. Review status: no assertion criteria provided. Collection method: curation. Allele origin: unknown.
ClinVar note: Converted during submission from pathologic to Pathogenic.